The following is an entry in ClinVar:

ClinVar aggregate classification (germline): Pathogenic/Likely pathogenic. Review status: criteria provided, multiple submitters, no conflicts (2 of 4 stars). 3 submissions from 3 submitters: Pathogenic (1); Likely pathogenic (2). Last evaluated 2024-10-21.

Conditions:
PLP1-related disorder. Also called: PLP1-related condition; PLP1-Related Disorders. Identifiers: MedGen CN378767.
Pelizaeus-Merzbacher disease. Also called: Sudanophilic leukodystrophy; Pelizeaus-Merzbacher spectrum disorder; LEUKODYSTROPHY, HYPOMYELINATING, 1; Pelizaeus-Merzbacher spectrum disorder; Pelizaeus-Merzbacher Disease (PMD). Identifiers: Orphanet 702, MedGen C0205711, MONDO:0010714, OMIM 312080, HP:0003269.

Submissions (3):

PreventionGenetics, part of Exact Sciences
Classification: Likely pathogenic for PLP1-related condition. Last evaluated: 2024-10-21. Review status: criteria provided, single submitter. Criteria: ACMG Guidelines, 2015. Collection method: clinical testing. Allele origin: germline.
Comment: The PLP1 c.173A>G variant is predicted to result in the amino acid substitution p.Tyr58Cys. This variant has been reported in an individual with PLP1-related mild spastic paraplegia-2 phenotype (Patient G106 in Bonnet-Dupeyron et al. 2008. PubMed ID: 18470932). RT-PCR analysis of fibroblasts from this patient revealed an aberrant mRNA transcript that deletes the last 19 nucleotides of exon 2, which is predicted to result in a frameshift and protein truncation (Bonnet-Dupeyron et al. 2008. PubMed ID: 18470932). This variant has not been reported in a large population database (gnomAD), indicating this variant is rare. Taken together, this variant is interpreted as likely pathogenic.

Centre for Mendelian Genomics, University Medical Centre Ljubljana
Classification: Pathogenic for Pelizaeus-Merzbacher disease. Last evaluated: 2019-04-04. Review status: criteria provided, single submitter. Criteria: ACMG Guidelines, 2015. Collection method: clinical testing. Allele origin: unknown. Affected: yes.
Comment: This variant was classified as: Pathogenic. The following ACMG criteria were applied in classifying this variant: PM2,PS1,PS3,PP3. This variant was detected in hemizygous state.

Molecular Diagnostics Lab, Nemours Children's Health, Delaware
Classification: Likely pathogenic for Pelizaeus-Merzbacher disease. Review status: criteria provided, single submitter. Criteria: ACMG Guidelines, 2015. Collection method: clinical testing. Allele origin: unknown. Affected: yes. Observed: 1 hemizygote.
Comment: This missense variant (c.173A>G, p.Tyr58Cys) has not been reported in population databases (gnomAD) and has not been described in the literature. Variant prediction programs suggest a deleterious effect but no functional studies have been published.

NM_000533.5(PLP1):c.173A>G (p.Tyr58Cys)

Genes: PLP1 (proteolipid protein 1; plus strand), RAB9B (RAB9B, member RAS oncogene family; minus strand). Cytogenetic location: Xq22.2.
Variant type: single nucleotide variant.
Coding change: c.173A>G on transcript NM_000533.5 (MANE Select); coding-DNA position 173, A replaced by G.
Protein change: p.Tyr58Cys; replaces tyrosine 58 with cysteine.
Molecular consequence: missense variant.
Genome position (GRCh38, 1-based): chrX:103,785,750, A>G. VCF-style: chrX-103785750-A-G. GRCh37 (hg19) VCF-style: chrX-103040679-A-G.
Other names: c.173A>G, p.Tyr58Cys (NM_001128834.3, NM_199478.3); c.8A>G, p.Tyr3Cys (NM_001305004.1); c.173A>G (NM_000533.4); short protein forms Y58C, Y3C.
Identifiers: ClinVar variation 930478 (VCV000930478.6), dbSNP rs2074490307, ClinGen allele CA414102342.